The following is an entry in ClinVar:

ClinVar aggregate classification (germline): Benign. Review status: criteria provided, multiple submitters, no conflicts (2 of 4 stars). 9 submissions from 8 submitters: Benign (9). Last evaluated 2026-02-03.

Conditions:
Inborn genetic diseases. Identifiers: MedGen C0950123, MeSH D030342.
Autosomal dominant cerebellar ataxia. Also called: Spinocerebellar Ataxia, Dominant. Identifiers: Orphanet 99, MedGen C4087347, MONDO:0020380.
Charcot-Marie-Tooth disease. Also called: Charcot-Marie-Tooth Neuropathy; Charcot-Marie-Tooth Hereditary Neuropathy. Identifiers: Orphanet 166, MedGen C0007959, MONDO:0015626.
Charcot-Marie-Tooth disease axonal type 2O. Also called: CHARCOT-MARIE-TOOTH NEUROPATHY, AXONAL, TYPE 2O; CHARCOT-MARIE-TOOTH DISEASE, AXONAL, AUTOSOMAL DOMINANT, TYPE 2O; Charcot-Marie-Tooth Neuropathy Type 2O; Charcot-Marie-Tooth disease, axonal, type 20. Identifiers: Orphanet 284232, MedGen C3280220, MONDO:0013644, OMIM 614228.

Allele frequency attached by ClinVar (database versions not stated): gnomAD exomes 0.00080 and 0.00224; ExAC 0.00294; 1000 Genomes Project 0.00839; gnomAD 0.00892 and 0.00962; 1000 Genomes Project 30x 0.00921; TOPMed 0.00989; ESP Exome Variant Server 0.01115.
gnomAD v4.1: 2,553 of 1,614,074 alleles (0.16%); highest among the groups gnomAD compares: African/African-American, 3.1%; 37 homozygotes.

Submissions (9):

Labcorp Genetics (formerly Invitae), Labcorp
Classification: Benign for Charcot-Marie-Tooth disease axonal type 2O. Last evaluated: 2026-02-03. Review status: criteria provided, single submitter. Criteria: Invitae Variant Classification Sherloc (09022015). Collection method: clinical testing. Allele origin: germline.

Mayo Clinic Laboratories, Mayo Clinic
Classification: Benign. Last evaluated: 2019-02-13. Review status: criteria provided, single submitter. Criteria: ACMG Guidelines, 2015. Collection method: clinical testing. Allele origin: germline. Observed: 8 variant alleles.

Illumina Laboratory Services, Illumina
Classification: Benign for Spinocerebellar Ataxia, Dominant. Last evaluated: 2018-01-13. Review status: criteria provided, single submitter. Criteria: ICSL Variant Classification Criteria 13 December 2019. Collection method: clinical testing. Allele origin: germline.
Comment: This variant was observed in the ICSL laboratory as part of a predisposition screen in an ostensibly healthy population. It had not been previously curated by ICSL or reported in the Human Gene Mutation Database (HGMD: prior to June 1st, 2018), and was therefore a candidate for classification through an automated scoring system. Utilizing variant allele frequency, disease prevalence and penetrance estimates, and inheritance mode, an automated score was calculated to assess if this variant is too frequent to cause the disease. Based on the score and internal cut-off values, a variant classified as benign is not then subjected to further curation. The score for this variant resulted in a classification of benign for this disease.

Illumina Laboratory Services, Illumina
Classification: Benign for Charcot-Marie-Tooth disease axonal type 2O. Last evaluated: 2018-01-13. Review status: criteria provided, single submitter. Criteria: ICSL Variant Classification Criteria 13 December 2019. Collection method: clinical testing. Allele origin: germline.
Comment: the same text as in the submission from Illumina Laboratory Services, Illumina above.

Athena Diagnostics
Classification: Benign. Last evaluated: 2017-03-30. Review status: criteria provided, single submitter. Criteria: Athena Diagnostics Criteria. Collection method: clinical testing. Allele origin: germline.

Ambry Genetics
Classification: Benign for Inborn genetic diseases. Last evaluated: 2016-03-21. Review status: criteria provided, single submitter. Criteria: Ambry Variant Classification Scheme 2023. Collection method: clinical testing. Allele origin: germline.

GeneDx
Classification: Benign. Last evaluated: 2016-03-02. Review status: criteria provided, single submitter. Criteria: GeneDx Variant Classification (06012015). Collection method: clinical testing. Allele origin: germline. Affected: yes.
Comment: This variant is considered likely benign or benign based on one or more of the following criteria: it is a conservative change, it occurs at a poorly conserved position in the protein, it is predicted to be benign by multiple in silico algorithms, and/or has population frequency not consistent with disease.

Breakthrough Genomics
Classification: Benign. Review status: criteria provided, single submitter. Criteria: ACMG Guidelines, 2015. Collection method: not provided. Allele origin: germline. Inheritance: Autosomal dominant inheritance. Affected: yes.

Molecular Genetics Laboratory, London Health Sciences Centre
Classification: Benign for Charcot-Marie-Tooth disease. Review status: criteria provided, single submitter. Criteria: ACMG Guidelines, 2015. Collection method: clinical testing. Allele origin: germline. Affected: yes.

NM_001376.5(DYNC1H1):c.12159A>T (p.Gly4053=)

Gene: DYNC1H1 (dynein cytoplasmic 1 heavy chain 1; plus strand). Cytogenetic location: 14q32.31.
Variant type: single nucleotide variant.
Coding change: c.12159A>T on transcript NM_001376.5 (MANE Select); coding-DNA position 12159, A replaced by T.
Protein change: p.Gly4053=; no amino-acid change (glycine 4053 retained).
Molecular consequence: synonymous variant.
Genome position (GRCh38, 1-based): chr14:102,042,069, A>T. VCF-style: chr14-102042069-A-T. GRCh37 (hg19) VCF-style: chr14-102508406-A-T.
Other names: p.Gly4053=.
Identifiers: ClinVar variation 238993 (VCV000238993.23), dbSNP rs115992196, ClinGen allele CA7353843.